The following is an entry in ClinVar:

ClinVar aggregate classification (germline): Uncertain significance. Review status: criteria provided, multiple submitters, no conflicts (2 of 4 stars). 2 submissions from 2 submitters: Uncertain significance (2). Last evaluated 2024-05-21.

Conditions:
Fanconi anemia complementation group P. Also called: SLX4-Related Fanconi Anemia. Identifiers: Orphanet 84, MedGen C3469542, MONDO:0013499, OMIM 613951.
Fanconi anemia (FA). Also called: Fanconi's anemia. Identifiers: Orphanet 84, MedGen C0015625, MeSH D005199, MONDO:0019391.

gnomAD v4.1: 4 of 1,614,122 alleles (0.00025%); highest among the groups gnomAD compares: Non-Finnish European, 0.00025%; no homozygotes.

Submissions (2):

Fulgent Genetics
Classification: Uncertain significance for Fanconi anemia complementation group P. Last evaluated: 2024-05-21. Review status: criteria provided, single submitter. Criteria: ACMG Guidelines, 2015. Collection method: clinical testing. Allele origin: germline.

Labcorp Genetics (formerly Invitae), Labcorp
Classification: Uncertain significance for Fanconi anemia. Last evaluated: 2021-09-03. Review status: criteria provided, single submitter. Criteria: Invitae Variant Classification Sherloc (09022015). Collection method: clinical testing. Allele origin: germline.
Comment: This sequence change replaces glutamine with arginine at codon 1644 of the SLX4 protein (p.Gln1644Arg). The glutamine residue is weakly conserved and there is a small physicochemical difference between glutamine and arginine. In summary, the available evidence is currently insufficient to determine the role of this variant in disease. Therefore, it has been classified as a Variant of Uncertain Significance. Algorithms developed to predict the effect of missense changes on protein structure and function output the following: SIFT: "Tolerated"; PolyPhen-2: "Benign"; Align-GVGD: "Class C0". The arginine amino acid residue is found in multiple mammalian species, which suggests that this missense change does not adversely affect protein function. This variant has not been reported in the literature in individuals affected with SLX4-related conditions. This variant is not present in population databases (ExAC no frequency).

NM_032444.4(SLX4):c.4931A>G (p.Gln1644Arg)

Gene: SLX4 (SLX4 structure-specific endonuclease subunit; minus strand). Cytogenetic location: 16p13.3.
Variant type: single nucleotide variant.
Coding change: c.4931A>G on transcript NM_032444.4 (MANE Select); coding-DNA position 4931, A replaced by G.
Protein change: p.Gln1644Arg; replaces glutamine 1644 with arginine.
Molecular consequence: missense variant.
Genome position (GRCh38, 1-based): chr16:3,583,319, T>C on the plus strand (A>G on the coding strand, the complement: SLX4 is on the minus strand). VCF-style: chr16-3583319-T-C. GRCh37 (hg19) VCF-style: chr16-3633320-T-C.
Other names: short protein forms Q1644R.
Identifiers: ClinVar variation 1413922 (VCV001413922.7), dbSNP rs2151116778, ClinGen allele CA394515089.